The following is an entry in ClinVar:

ClinVar aggregate classification (germline): Conflicting classifications of pathogenicity. Review status: criteria provided, conflicting classifications (1 of 4 stars). 3 submissions from 3 submitters: Uncertain significance (2); Likely benign (1). Last evaluated 2025-09-09.

Conditions:
Inborn genetic diseases. Identifiers: MedGen C0950123, MeSH D030342.

Allele frequency attached by ClinVar (database versions not stated): gnomAD 0.00005; TOPMed 0.00007; ExAC 0.00015; 1000 Genomes Project 30x 0.00031; 1000 Genomes Project 0.00040.
gnomAD v4.1: 115 of 1,594,808 alleles (0.0072%); highest among the groups gnomAD compares: South Asian, 0.037%; no homozygotes.

Submissions (3):

Labcorp Genetics (formerly Invitae), Labcorp
Classification: Uncertain significance. Last evaluated: 2025-09-09. Review status: criteria provided, single submitter. Criteria: Invitae Variant Classification Sherloc (09022015). Collection method: clinical testing. Allele origin: germline.
Comment: This sequence change replaces glutamic acid, which is acidic and polar, with lysine, which is basic and polar, at codon 300 of the TRAIP protein (p.Glu300Lys). This variant is present in population databases (rs143310707, gnomAD 0.04%). This variant has not been reported in the literature in individuals affected with TRAIP-related conditions. ClinVar contains an entry for this variant (Variation ID: 2045011). An algorithm developed to predict the effect of missense changes on protein structure and function (PolyPhen-2) suggests that this variant is likely to be disruptive. In summary, the available evidence is currently insufficient to determine the role of this variant in disease. Therefore, it has been classified as a Variant of Uncertain Significance.

Ambry Genetics
Classification: Uncertain significance for Inborn genetic diseases. Last evaluated: 2025-08-28. Review status: criteria provided, single submitter. Criteria: Ambry Variant Classification Scheme 2023. Collection method: clinical testing. Allele origin: germline.

CeGaT Center for Human Genetics Tuebingen
Classification: Likely benign. Last evaluated: 2023-02-01. Review status: criteria provided, single submitter. Criteria: CeGaT Center For Human Genetics Tuebingen Variant Classification Criteria Version 2. Collection method: clinical testing. Allele origin: germline. Affected: yes. Observed: 2 variant alleles.
Comment: TRAIP: BP4

NM_005879.3(TRAIP):c.898G>A (p.Glu300Lys)

Gene: TRAIP (TRAF interacting protein; minus strand). Cytogenetic location: 3p21.31.
Variant type: single nucleotide variant.
Coding change: c.898G>A on transcript NM_005879.3 (MANE Select); coding-DNA position 898, G replaced by A.
Protein change: p.Glu300Lys; replaces glutamic acid 300 with lysine.
Molecular consequence: missense variant.
Genome position (GRCh38, 1-based): chr3:49,832,055, C>T on the plus strand (G>A on the coding strand, the complement: TRAIP is on the minus strand). VCF-style: chr3-49832055-C-T. GRCh37 (hg19) VCF-style: chr3-49869488-C-T.
Other names: c.898G>A (NM_005879.2); short protein forms E300K.
Identifiers: ClinVar variation 2045011 (VCV002045011.29), dbSNP rs143310707, ClinGen allele CA2407651.
Genomic context (GRCh38, chr3:49,832,055, plus strand): 5'-AGGTAGCATTGAGATCAATATCATCACGGAAGGATGGCCGGCGGAGCTTCAGATTCACCT[C>T]CACAGGGGCTGGGCTGAAGGCAGAGATGACCTGGTTACTTGGGGCCACAGTGGTAACCCA-3'
Protein context (NP_005870.2, residues 290-310): RLVLESPAPV[Glu300Lys]VNLKLRRPSF